The following is an entry in ClinVar:

NM_000426.4(LAMA2):c.8008C>T (p.Gln2670Ter)

Gene: LAMA2 (laminin subunit alpha 2; plus strand). Cytogenetic location: 6q22.33.
Variant type: single nucleotide variant.
Coding change: c.8008C>T on transcript NM_000426.4 (MANE Select); coding-DNA position 8008, C replaced by T.
Protein change: p.Gln2670Ter; replaces glutamine 2670 with a stop codon.
Molecular consequence: nonsense.
Genome position (GRCh38, 1-based): chr6:129,492,010, C>T. VCF-style: chr6-129492010-C-T. GRCh37 (hg19) VCF-style: chr6-129813155-C-T.
Other names: c.7996C>T, p.Gln2666Ter (NM_001079823.2); short protein forms Q2666*, Q2670*.
Identifiers: ClinVar variation 983650 (VCV000983650.4), dbSNP rs1784888496, ClinGen allele CA365630809.

ClinVar aggregate classification (germline): Likely pathogenic (1 of 4 stars; one submission).

Conditions:
LAMA2-related muscular dystrophy (LAMA2-RD). Also called: Laminin alpha 2-related dystrophy. Identifiers: MedGen C5679788, MONDO:0100228.

Submission:

Myriad Genetics, Inc.
Classification: Likely pathogenic for LAMA2-related muscular dystrophy. Last evaluated: 2019-12-29. Review status: criteria provided, single submitter. Criteria: Myriad Autosomal Dominant, Autosomal Recessive and X-Linked Classification Criteria (2023). Collection method: clinical testing. Allele origin: unknown.
Comment: NM_000426.3(LAMA2):c.8008C>T(Q2670*) is expected to be pathogenic in the context of LAMA2-related muscular dystrophy. This variant is predicted to lead to an abnormal or absent protein product due to the creation of a premature termination codon in LAMA2, a gene where loss-of-function variants are known to be pathogenic. Please note: this variant was assessed in the context of healthy population screening.